The following is an entry in ClinVar:

NM_001037131.3(AGAP1):c.538G>A (p.Asp180Asn)

Gene: AGAP1 (ArfGAP with GTPase domain, ankyrin repeat and PH domain 1; plus strand). Cytogenetic location: 2q37.2.
Variant type: single nucleotide variant.
Coding change: c.538G>A on transcript NM_001037131.3 (MANE Select); coding-DNA position 538, G replaced by A.
Protein change: p.Asp180Asn; replaces aspartic acid 180 with asparagine.
Molecular consequence: missense variant.
Genome position (GRCh38, 1-based): chr2:235,744,839, G>A. VCF-style: chr2-235744839-G-A. GRCh37 (hg19) VCF-style: chr2-236653483-G-A.
Other names: c.538G>A, p.Asp180Asn (NM_001244888.2, NM_014914.5); c.1333G>A, p.Asp445Asn (NM_001436125.1, NM_001436126.1); short protein forms D445N, D180N.
Identifiers: ClinVar variation 4998846 (VCV004998846.1).
Genomic context (GRCh38, chr2:235,744,839, plus strand): 5'-AGTCGAATGGCCAACTATCGGAACACGAGCGAGATTCCTCTGGTTCTGGTGGGAACCCAG[G>A]GTGAGTGATGTTCGTGTGCAGATTGTTTTGAAAGGGTTCTAACAGTTACATATTTTCAGT-3'
Protein context (NP_001032208.1, residues 170-190): EIPLVLVGTQ[Asp180Asn]AISSANPRVI

ClinVar aggregate classification (germline): Uncertain significance (1 of 4 stars; one submission).

Conditions:
AGAP1-related condition.

Submission:

PreventionGenetics, part of Exact Sciences
Classification: Uncertain significance for AGAP1-related condition. Last evaluated: 2025-05-12. Review status: criteria provided, single submitter. Criteria: ACMG Guidelines, 2015. Collection method: clinical testing. Allele origin: germline.
Comment: The AGAP1 c.538G>A variant is predicted to result in the amino acid substitution p.Asp180Asn. To our knowledge, this variant has not been reported in the literature or in a large population database (gnomAD), indicating this variant is rare. At this time, the clinical significance of this variant is uncertain due to the absence of conclusive functional and genetic evidence.